The following is an entry in ClinVar:

NM_003072.5(SMARCA4):c.3216-5T>A

Gene: SMARCA4 (SWI/SNF related BAF chromatin remodeling complex subunit ATPase 4; plus strand). Cytogenetic location: 19p13.2.
Variant type: single nucleotide variant.
Coding change: c.3216-5T>A on transcript NM_003072.5 (MANE Select); 5 bases into the intron before coding-DNA position 3216, T replaced by A.
Molecular consequence: intron variant.
Genome position (GRCh38, 1-based): chr19:11,027,779, T>A. VCF-style: chr19-11027779-T-A. GRCh37 (hg19) VCF-style: chr19-11138455-T-A.
Other names: c.3216-5T>A (NM_001128844.3, NM_001128849.3, NM_001128847.4 and 5 more transcripts).
Identifiers: ClinVar variation 480622 (VCV000480622.15), dbSNP rs1555781739, ClinGen allele CA658656760.

ClinVar aggregate classification (germline): Conflicting classifications of pathogenicity. Review status: criteria provided, conflicting classifications (1 of 4 stars). 3 submissions from 3 submitters: Uncertain significance (2); Likely benign (1). Last evaluated 2025-08-07.

Conditions:
Rhabdoid tumor predisposition syndrome 2 (RTPS2). Identifiers: Orphanet 231108, Orphanet 69077, MedGen C2750074, MONDO:0013224, OMIM 613325.
Intellectual disability, autosomal dominant 16 (CSS4). Also called: COFFIN-SIRIS SYNDROME 4. Identifiers: Orphanet 1465, MedGen C3553249, MONDO:0013821, OMIM 614609.
Hereditary cancer-predisposing syndrome. Also called: Hereditary Cancer Syndrome; Neoplastic Syndromes, Hereditary; Tumor predisposition; Hereditary neoplastic syndrome. Identifiers: Orphanet 140162, MedGen C0027672, MeSH D009386, MONDO:0015356.

Allele frequency attached by ClinVar (database versions not stated): TOPMed below 0.00001; gnomAD 0.00001.

Submissions (3):

Labcorp Genetics (formerly Invitae), Labcorp
Classification: Likely benign for Rhabdoid tumor predisposition syndrome 2. Last evaluated: 2025-08-07. Review status: criteria provided, single submitter. Criteria: Invitae Variant Classification Sherloc (09022015). Collection method: clinical testing. Allele origin: germline.

Ambry Genetics
Classification: Uncertain significance for Hereditary cancer-predisposing syndrome. Last evaluated: 2021-10-14. Review status: criteria provided, single submitter. Criteria: Ambry Variant Classification Scheme 2023. Collection method: clinical testing. Allele origin: germline.
Comment: The c.3216-5T>A intronic variant results from a T to A substitution 5 nucleotides upstream from coding exon 23 in the SMARCA4 gene. This nucleotide position is poorly conserved in available vertebrate species. In silico splice site analysis for this alteration is inconclusive and direct evidence is insufficient at this time (Ambry internal data). Since supporting evidence is limited at this time, the clinical significance of this alteration remains unclear.

Genome-Nilou Lab
Classification: Uncertain significance for Intellectual disability, autosomal dominant 16. Last evaluated: 2021-07-15. Review status: criteria provided, single submitter. Criteria: ACMG Guidelines, 2015. Collection method: clinical testing. Allele origin: germline. Affected: no.